The following is an entry in ClinVar:

NM_024426.6(WT1):c.930del (p.Trp311fs)

Gene: WT1 (WT1 transcription factor; minus strand). Cytogenetic location: 11p13.
Variant type: Deletion.
Coding change: c.930del on transcript NM_024426.6 (MANE Select); coding-DNA position 930, one base deleted (C; older notation c.930delC).
Protein change: p.Trp311fs; shifts the reading frame from tryptophan 311.
Molecular consequence: frameshift variant. On other transcripts: non-coding transcript variant (2).
Genome position (GRCh38, 1-based): chr11:32,417,612, G deleted on the plus strand (C on the coding strand, the reverse complement: WT1 is on the minus strand); the first of 2 consecutive G bases (chr11:32,417,612-32,417,613); deleting either gives the same sequence. VCF-style (leftmost placement, unchanged base first): chr11-32417611-AG-A. GRCh37 (hg19) VCF-style: chr11-32439157-AG-A.
Other names: c.930del, p.Trp311fs (NM_000378.6, NM_001407044.1, NM_001407045.1 and 4 more transcripts); c.279del, p.Trp94fs (NM_001198551.2, NM_001198552.2); c.807del, p.Trp270fs (NM_001407047.1, NM_001407050.1); c.168del, p.Trp57fs (NM_001407051.1); c.711del, p.Trp238fs (NM_001429031.1, NM_001429032.1, NM_001429033.1 and 1 more transcripts); short protein forms W238fs, W270fs, W311fs, W57fs, W94fs.
Identifiers: ClinVar variation 4082598 (VCV004082598.1).
Genomic context (GRCh38, chr11:32,417,611, plus strand): 5'-AGGCAATGGAATAGAGAAAACCTTACCCCTTTAAGGTGGCTCCTAAGTTCATCTGATTCC[AG>A]GTCATGCATTCAAGCTGGGATGTCATTTGGTATAAATTGTCACTGTTAGAAAAACATCTA-3'

ClinVar aggregate classification (germline): Pathogenic (1 of 4 stars; one submission).

Submission:

GeneDx
Classification: Pathogenic. Last evaluated: 2025-03-05. Review status: criteria provided, single submitter. Criteria: GeneDx Variant Classification Process June 2021. Collection method: clinical testing. Allele origin: germline. Affected: yes.
Comment: Frameshift variant predicted to result in protein truncation or nonsense mediated decay in a gene for which loss of function is a known mechanism of disease; Not observed at significant frequency in large population cohorts (gnomAD); This variant is associated with the following publications: (PMID: 38110397)